The following is an entry in ClinVar:

ClinVar aggregate classification (germline): Pathogenic (1 of 4 stars; one submission).

Conditions:
Epilepsy, familial focal, with variable foci 3 (FFEVF3). Identifiers: MedGen C4310708, MONDO:0014925, OMIM 617118.

Submission:

Labcorp Genetics (formerly Invitae), Labcorp
Classification: Pathogenic for Epilepsy, familial focal, with variable foci 3. Last evaluated: 2023-03-11. Review status: criteria provided, single submitter. Criteria: Invitae Variant Classification Sherloc (09022015). Collection method: clinical testing. Allele origin: unknown.
Comment: For these reasons, this variant has been classified as Pathogenic. This variant disrupts a region of the NPRL3 protein in which other variant(s) (p.Glu508Argfs*46) have been determined to be pathogenic (PMID: 26786403; Invitae). This suggests that this is a clinically significant region of the protein, and that variants that disrupt it are likely to be disease-causing. This variant has not been reported in the literature in individuals affected with NPRL3-related conditions. This variant is a gross deletion of the genomic region encompassing exon(s) 5-14 of the NPRL3 gene, which includes the termination codon. This deletion extends beyond the assayed region for this gene and therefore may encompass additional genes. While this deletion is not anticipated to lead to nonsense mediated decay, it is expected to alter mRNA translation or result in a truncated protein product.

Literature cited by the submitters: PubMed 26786403.

NC_000016.9:g.(?_97132)_(167394_?)del

Genes: MPG (N-methylpurine DNA glycosylase; plus strand), NPRL3 (NPR3 like, GATOR1 complex subunit; minus strand), POLR3K (RNA polymerase III subunit K; minus strand), RHBDF1 (rhomboid 5 homolog 1; minus strand), SNRNP25 (small nuclear ribonucleoprotein U11/U12 subunit 25; plus strand). Cytogenetic location: 16p13.3.
Variant type: Deletion.
Identifiers: ClinVar variation 3243554 (VCV003243554.1).